The following is an entry in ClinVar:

ClinVar aggregate classification (germline): Uncertain significance (1 of 4 stars; one submission).

gnomAD v4.1: 1 of 1,614,196 alleles (0.000062%); highest among the groups gnomAD compares: Non-Finnish European, 0.000085%; no homozygotes.

Submission:

Labcorp Genetics (formerly Invitae), Labcorp
Classification: Uncertain significance. Last evaluated: 2026-02-02. Review status: criteria provided, single submitter. Criteria: Invitae Variant Classification Sherloc (09022015). Collection method: clinical testing. Allele origin: germline.
Comment: This sequence change replaces leucine, which is neutral and non-polar, with methionine, which is neutral and non-polar, at codon 485 of the IRF2BP2 protein (p.Leu485Met). This variant is not present in population databases (gnomAD no frequency). This variant has not been reported in the literature in individuals affected with IRF2BP2-related conditions. An algorithm developed to predict the effect of missense changes on protein structure and function (PolyPhen-2) suggests that this variant is likely to be disruptive. In summary, the available evidence is currently insufficient to determine the role of this variant in disease. Therefore, it has been classified as a Variant of Uncertain Significance.

NM_182972.3(IRF2BP2):c.1453C>A (p.Leu485Met)

Gene: IRF2BP2 (interferon regulatory factor 2 binding protein 2; minus strand). Cytogenetic location: 1q42.3.
Variant type: single nucleotide variant.
Coding change: c.1453C>A on transcript NM_182972.3 (MANE Select); coding-DNA position 1453, C replaced by A.
Protein change: p.Leu485Met; replaces leucine 485 with methionine.
Molecular consequence: missense variant.
Genome position (GRCh38, 1-based): chr1:234,607,448, G>T on the plus strand (C>A on the coding strand, the complement: IRF2BP2 is on the minus strand). VCF-style: chr1-234607448-G-T. GRCh37 (hg19) VCF-style: chr1-234743194-G-T.
Other names: c.1405C>A, p.Leu469Met (NM_001077397.1); short protein forms L485M, L469M.
Identifiers: ClinVar variation 4736577 (VCV004736577.1).